The following is an entry in ClinVar:

NM_031942.5(CDCA7):c.42GAA[1] (p.Lys15del)

Gene: CDCA7 (cell division cycle associated 7; plus strand). Cytogenetic location: 2q31.1.
Variant type: Microsatellite.
Coding change: c.42GAA[1] on transcript NM_031942.5 (MANE Select); one copy of the 3-base unit GAA starting at c.42; the reference has two copies in a row; one copy, 3 bases deleted.
Protein change: p.Lys15del; deletes lysine 15.
Molecular consequence: inframe deletion.
Genome position (GRCh38, 1-based): chr2:173,358,735-173,358,737, GAA deleted; deleting any 3 consecutive bases within chr2:173,358,730-173,358,737 gives the same sequence; the position shown is the placement nearest the transcript's 3' end. VCF-style (leftmost placement, unchanged base first): chr2-173358729-AAAG-A. GRCh37 (hg19) VCF-style: chr2-174223457-AAAG-A.
Other names: c.42GAA[1], p.Lys15del (NM_145810.3); short protein forms K15del.
Identifiers: ClinVar variation 2173163 (VCV002173163.2), dbSNP rs770979057, ClinGen allele CA1971142.

ClinVar aggregate classification (germline): Uncertain significance (1 of 4 stars; one submission).

Submission:

Labcorp Genetics (formerly Invitae), Labcorp
Classification: Uncertain significance. Last evaluated: 2025-11-03. Review status: criteria provided, single submitter. Criteria: Invitae Variant Classification Sherloc (09022015). Collection method: clinical testing. Allele origin: germline.
Comment: This variant, c.45_47del, results in the deletion of 1 amino acid(s) of the CDCA7 protein (p.Lys15del), but otherwise preserves the integrity of the reading frame. This variant is present in population databases (rs770979057, gnomAD 0.004%). This variant has not been reported in the literature in individuals affected with CDCA7-related conditions. Experimental studies and prediction algorithms are not available or were not evaluated, and the functional significance of this variant is currently unknown. In summary, the available evidence is currently insufficient to determine the role of this variant in disease. Therefore, it has been classified as a Variant of Uncertain Significance.